The following is an entry in ClinVar:

NM_018941.4(CLN8):c.-120G>A

Gene: CLN8 (CLN8 transmembrane ER and ERGIC protein; plus strand). Cytogenetic location: 8p23.3.
Variant type: single nucleotide variant.
Coding change: c.-120G>A on transcript NM_018941.4 (MANE Select); 120 bases upstream of the start codon, G replaced by A.
Molecular consequence: 5 prime UTR variant.
Genome position (GRCh38, 1-based): chr8:1,770,935, G>A. VCF-style: chr8-1770935-G-A. GRCh37 (hg19) VCF-style: chr8-1719101-G-A.
Identifiers: ClinVar variation 377697 (VCV000377697.1), dbSNP rs1057520272, ClinGen allele CA16606034.

ClinVar aggregate classification (germline): Likely benign (1 of 4 stars; one submission).

Allele frequency attached by ClinVar (database versions not stated): gnomAD below 0.00001 and 0.00003; TOPMed below 0.00001; gnomAD exomes 0.00009; 1000 Genomes Project 30x 0.00016.
gnomAD v4.1: 64 of 863,820 alleles (0.0074%); highest among the groups gnomAD compares: South Asian, 0.089%; no homozygotes.

Submission:

GeneDx
Classification: Likely benign. Last evaluated: 2016-06-29. Review status: criteria provided, single submitter. Criteria: GeneDx Variant Classification (06012015). Collection method: clinical testing. Allele origin: germline. Affected: yes.
Comment: This variant is considered likely benign or benign based on one or more of the following criteria: it is a conservative change, it occurs at a poorly conserved position in the protein, it is predicted to be benign by multiple in silico algorithms, and/or has population frequency not consistent with disease.